The following is an entry in ClinVar:

ClinVar aggregate classification (germline): Uncertain significance. Review status: criteria provided, multiple submitters, no conflicts (2 of 4 stars). 4 submissions from 4 submitters: Uncertain significance (4). Last evaluated 2025-10-18.

Conditions:
Diffuse cerebral and cerebellar atrophy - intractable seizures - progressive microcephaly syndrome. Also called: Microcephaly, progressive, with seizures and cerebral and cerebellar atrophy. Identifiers: Orphanet 404437, MedGen C4014239, MONDO:0014335, OMIM 615760.
Inborn genetic diseases. Identifiers: MedGen C0950123, MeSH D030342.

Allele frequency attached by ClinVar (database versions not stated): TOPMed 0.00001; gnomAD 0.00002 and 0.00003; gnomAD exomes 0.00002 and 0.00003; 1000 Genomes Project 30x 0.00016; 1000 Genomes Project 0.00020; ExAC 0.00005.

Submissions (4):

Ambry Genetics
Classification: Uncertain significance for Inborn genetic diseases. Last evaluated: 2025-10-18. Review status: criteria provided, single submitter. Criteria: Ambry Variant Classification Scheme 2023. Collection method: clinical testing. Allele origin: germline.

Labcorp Genetics (formerly Invitae), Labcorp
Classification: Uncertain significance for Diffuse cerebral and cerebellar atrophy - intractable seizures - progressive microcephaly syndrome. Last evaluated: 2022-08-31. Review status: criteria provided, single submitter. Criteria: Invitae Variant Classification Sherloc (09022015). Collection method: clinical testing. Allele origin: germline.
Comment: This sequence change replaces arginine, which is basic and polar, with glutamine, which is neutral and polar, at codon 201 of the QARS protein (p.Arg201Gln). This variant is present in population databases (rs192040640, gnomAD 0.007%). This variant has not been reported in the literature in individuals affected with QARS-related conditions. ClinVar contains an entry for this variant (Variation ID: 452878). Algorithms developed to predict the effect of missense changes on protein structure and function output the following: SIFT: "Tolerated"; PolyPhen-2: "Benign"; Align-GVGD: "Class C0". The glutamine amino acid residue is found in multiple mammalian species, which suggests that this missense change does not adversely affect protein function. In summary, the available evidence is currently insufficient to determine the role of this variant in disease. Therefore, it has been classified as a Variant of Uncertain Significance.

Revvity Omics, Revvity
Classification: Uncertain significance for Diffuse cerebral and cerebellar atrophy - intractable seizures - progressive microcephaly syndrome. Last evaluated: 2022-01-17. Review status: criteria provided, single submitter. Criteria: ACMG Guidelines, 2015. Collection method: clinical testing. Allele origin: germline.

GeneDx
Classification: Uncertain significance. Last evaluated: 2021-08-25. Review status: criteria provided, single submitter. Criteria: GeneDx Variant Classification Process June 2021. Collection method: clinical testing. Allele origin: germline. Affected: yes.
Comment: Not observed at significant frequency in large population cohorts (Lek et al., 2016); In silico analysis supports that this missense variant does not alter protein structure/function; Has not been previously published as pathogenic or benign to our knowledge; This variant is associated with the following publications: (PMID: 27535533)

NM_005051.3(QARS1):c.602G>A (p.Arg201Gln)

Gene: QARS1 (glutaminyl-tRNA synthetase 1; minus strand). Cytogenetic location: 3p21.31.
Variant type: single nucleotide variant.
Coding change: c.602G>A on transcript NM_005051.3 (MANE Select); coding-DNA position 602, G replaced by A.
Protein change: p.Arg201Gln; replaces arginine 201 with glutamine.
Molecular consequence: missense variant. On other transcripts: non-coding transcript variant (1).
Genome position (GRCh38, 1-based): chr3:49,102,234, C>T on the plus strand (G>A on the coding strand, the complement: QARS1 is on the minus strand). VCF-style: chr3-49102234-C-T. GRCh37 (hg19) VCF-style: chr3-49139667-C-T.
Other names: c.569G>A, p.Arg190Gln (NM_001272073.2); c.602G>A (NM_005051.1); short protein forms R201Q, R190Q.
Identifiers: ClinVar variation 452878 (VCV000452878.11), dbSNP rs192040640, ClinGen allele CA2392090.